The following is an entry in ClinVar:

ClinVar aggregate classification (germline): Likely benign. Review status: criteria provided, multiple submitters, no conflicts (2 of 4 stars). 2 submissions from 2 submitters: Likely benign (2). Last evaluated 2025-01-01.

Allele frequency attached by ClinVar (database versions not stated): gnomAD 0.00001; TOPMed 0.00001.
gnomAD v4.1: 15 of 1,608,072 alleles (0.00093%); highest among the groups gnomAD compares: African/African-American, 0.0013%; no homozygotes.

Submissions (2):

CeGaT Center for Human Genetics Tuebingen
Classification: Likely benign. Last evaluated: 2025-01-01. Review status: criteria provided, single submitter. Criteria: CeGaT Center For Human Genetics Tuebingen Variant Classification Criteria Version 2. Collection method: clinical testing. Allele origin: germline. Affected: yes. Observed: 1 variant allele.
Comment: CAMTA1: BP4, BP7

Labcorp Genetics (formerly Invitae), Labcorp
Classification: Likely benign. Last evaluated: 2023-11-27. Review status: criteria provided, single submitter. Criteria: Invitae Variant Classification Sherloc (09022015). Collection method: clinical testing. Allele origin: germline.

NM_015215.4(CAMTA1):c.2187C>T (p.Ser729=)

Gene: CAMTA1 (calmodulin binding transcription activator 1; plus strand). Cytogenetic location: 1p36.23.
Variant type: single nucleotide variant.
Coding change: c.2187C>T on transcript NM_015215.4 (MANE Select); coding-DNA position 2187, C replaced by T.
Protein change: p.Ser729=; no amino-acid change (serine 729 retained).
Molecular consequence: synonymous variant.
Genome position (GRCh38, 1-based): chr1:7,664,734, C>T. VCF-style: chr1-7664734-C-T. GRCh37 (hg19) VCF-style: chr1-7724794-C-T.
Other names: c.2097C>T, p.Ser699= (NM_001349608.2, NM_001349612.2); c.2187C>T, p.Ser729= (NM_001349609.2, NM_001349610.2, NM_001410737.1); c.2115C>T, p.Ser705= (NM_001410738.1).
Identifiers: ClinVar variation 2962229 (VCV002962229.16), dbSNP rs1463286024, ClinGen allele CA416026952.
Genomic context (GRCh38, chr1:7,664,734, plus strand): 5'-GCTGCAGGCTTGCAGCTCTGAGCACTACCTGCAGCCGGAGACCAACGGGGTAATCCGAAG[C>T]GCCGGCGGCGTCCCCATCCTCCCGGGCAACGTGGTGCAGGGACTCTACCCCGTGGCCCAG-3'
Protein context (NP_056030.1, residues 719-739): LQPETNGVIR[Ser729=]AGGVPILPGN